The following is an entry in ClinVar:

NM_003680.4(YARS1):c.986_988dup (p.Asn329_Thr330insAsn)

Gene: YARS1 (tyrosyl-tRNA synthetase 1; minus strand). Cytogenetic location: 1p35.1.
Variant type: Duplication.
Coding change: c.986_988dup on transcript NM_003680.4 (MANE Select); coding-DNA positions 986 to 988, 3 bases duplicated (ATA; older notation c.986_988dupATA).
Protein change: p.Asn329_Thr330insAsn.
Molecular consequence: inframe insertion. On other transcripts: inframe indel (1).
Genome position (GRCh38, 1-based): chr1:32,782,458-32,782,460, TAT duplicated on the plus strand (ATA on the coding strand, the reverse complement: YARS1 is on the minus strand); duplicating any 3 consecutive bases within chr1:32,782,458-32,782,462 gives the same sequence; the c. name uses the placement nearest the transcript's 3' end. VCF-style (leftmost placement, unchanged base first): chr1-32782457-G-GTAT. GRCh37 (hg19) VCF-style: chr1-33248058-G-GTAT.
Other names: c.986_988dupATA (NM_003680.3); c.986_988dup (NM_003680.3).
Identifiers: ClinVar variation 1800270 (VCV001800270.4), dbSNP rs1557447241, ClinGen allele CA522246464.

ClinVar aggregate classification (germline): Uncertain significance. Review status: criteria provided, multiple submitters, no conflicts (2 of 4 stars). 3 submissions from 3 submitters: Uncertain significance (3). Last evaluated 2023-12-20.

Conditions:
Inborn genetic diseases. Identifiers: MedGen C0950123, MeSH D030342.

Submissions (3):

ARUP Laboratories, Molecular Genetics and Genomics, ARUP Laboratories
Classification: Uncertain significance. Last evaluated: 2023-12-20. Review status: criteria provided, single submitter. Criteria: ARUP Molecular Germline Variant Investigation Process 2024. Collection method: clinical testing. Allele origin: germline.
Comment: The YARS1 c.986_988dup; p.Asn329dup variant (rs1557447241), to our knowledge, is not reported in the medical literature but is reported in ClinVar (Variation ID: 1800270). This variant is observed in the general population with an overall allele frequency of 0.0007% (2/282866 alleles) in the Genome Aggregation Database (v2.1.1). This variant inserts a single asparagine residue leaving the rest of the protein in-frame. Due to limited information, the clinical significance of this variant is uncertain at this time.

GeneDx
Classification: Uncertain significance. Last evaluated: 2023-04-27. Review status: criteria provided, single submitter. Criteria: GeneDx Variant Classification Process June 2021. Collection method: clinical testing. Allele origin: germline. Affected: yes.
Comment: In-frame insertion of 1 amino acids in a non-repeat region; Has not been previously published as pathogenic or benign to our knowledge

Ambry Genetics
Classification: Uncertain significance for Inborn genetic diseases. Last evaluated: 2020-03-06. Review status: criteria provided, single submitter. Criteria: Ambry Variant Classification Scheme 2023. Collection method: clinical testing. Allele origin: germline.
Comment: The c.986_988dupATA variant (also known as p.N329dup) is located in coding exon 9 of the YARS gene. This variant results from an in-frame duplication of 3 nucleotides at positions 986 to 988. This results in the duplication of an asparagine residue at codon 329. This amino acid position is well conserved in available vertebrate species. Since supporting evidence is limited at this time, the clinical significance of this alteration remains unclear.